The following is an entry in ClinVar:

NM_018979.4(WNK1):c.5968C>T (p.Pro1990Ser)

Gene: WNK1 (WNK lysine deficient protein kinase 1; plus strand). Cytogenetic location: 12p13.33.
Variant type: single nucleotide variant.
Coding change: c.5968C>T on transcript NM_018979.4 (MANE Select); coding-DNA position 5968, C replaced by T.
Protein change: p.Pro1990Ser; replaces proline 1990 with serine.
Molecular consequence: missense variant.
Genome position (GRCh38, 1-based): chr12:896,455, C>T. VCF-style: chr12-896455-C-T. GRCh37 (hg19) VCF-style: chr12-1005621-C-T.
Other names: c.6748C>T, p.Pro2250Ser (NM_001184985.2); c.5224C>T, p.Pro1742Ser (NM_014823.3); c.6724C>T, p.Pro2242Ser (NM_213655.5); short protein forms P2242S, P1990S, P2250S, P1742S.
Identifiers: ClinVar variation 306614 (VCV000306614.17), dbSNP rs577801497, ClinGen allele CA6383303.

ClinVar aggregate classification (germline): Benign/Likely benign. Review status: criteria provided, multiple submitters, no conflicts (2 of 4 stars). 5 submissions from 5 submitters: Benign (1); Likely benign (4). Last evaluated 2025-02-27.

Conditions:
Pseudohypoaldosteronism type 2C (PHA2C). Also called: Pseudohypoaldosteronism Type IIC. Identifiers: Orphanet 757, Orphanet 88940, MedGen C1840391, MONDO:0013778, OMIM 614492.
Neuropathy, hereditary sensory and autonomic, type 2A (HSAN2A). Also called: MORVAN DISEASE; NEUROPATHY, CONGENITAL SENSORY; NEUROPATHY, HEREDITARY SENSORY RADICULAR, AUTOSOMAL RECESSIVE; NEUROPATHY, HEREDITARY SENSORY, TYPE IIA; NEUROPATHY, PROGRESSIVE SENSORY, OF CHILDREN; ACROOSTEOLYSIS, GIACCAI TYPE. Identifiers: Orphanet 970, MedGen C2752089, MONDO:0024309, OMIM 201300.
Inborn genetic diseases. Identifiers: MedGen C0950123, MeSH D030342.

Allele frequency attached by ClinVar (database versions not stated): gnomAD exomes 0.00004 and 0.00023; gnomAD 0.00009; TOPMed 0.00014; 1000 Genomes Project 30x 0.00016; 1000 Genomes Project 0.00020; ExAC 0.00025.
gnomAD v4.1: 72 of 1,613,916 alleles (0.0045%); highest among the groups gnomAD compares: East Asian, 0.15%; no homozygotes.

Submissions (5):

Labcorp Genetics (formerly Invitae), Labcorp
Classification: Likely benign for Neuropathy, hereditary sensory and autonomic, type 2A; Pseudohypoaldosteronism type 2C. Last evaluated: 2025-02-27. Review status: criteria provided, single submitter. Criteria: Invitae Variant Classification Sherloc (09022015). Collection method: clinical testing. Allele origin: germline.

Women's Health and Genetics/Laboratory Corporation of America, LabCorp
Classification: Likely benign. Last evaluated: 2024-09-23. Review status: criteria provided, single submitter. Criteria: LabCorp Variant Classification Summary - May 2015. Collection method: clinical testing. Allele origin: germline.
Comment: Variant summary: WNK1 c.5968C>T (p.Pro1990Ser) results in a non-conservative amino acid change in the encoded protein sequence. Three of five in-silico tools predict a benign effect of the variant on protein function. The variant allele was found at a frequency of 0.00023 in 251306 control chromosomes, predominantly at a frequency of 0.0032 within the East Asian subpopulation in the gnomAD database. The observed variant frequency within East Asian control individuals in the gnomAD database exceeds the estimated maximal expected allele frequency for a pathogenic variant in WNK1 causing Neuropathy, Hereditary Sensory And Autonomic, Type 2A phenotype. To our knowledge, no occurrence of c.5968C>T in individuals affected with Neuropathy, Hereditary Sensory And Autonomic, Type 2A and no experimental evidence demonstrating its impact on protein function have been reported. ClinVar contains an entry for this variant (Variation ID: 306614). Based on the evidence outlined above, the variant was classified as likely benign.

Blueprint Genetics
Classification: Likely benign. Last evaluated: 2024-02-28. Review status: criteria provided, single submitter. Criteria: ACMG Guidelines, 2015. Collection method: clinical testing. Allele origin: germline.

Ambry Genetics
Classification: Likely benign for Inborn genetic diseases. Last evaluated: 2021-10-29. Review status: criteria provided, single submitter. Criteria: Ambry Variant Classification Scheme 2023. Collection method: clinical testing. Allele origin: germline.

Illumina Laboratory Services, Illumina
Classification: Benign for Pseudohypoaldosteronism type 2C. Last evaluated: 2018-01-13. Review status: criteria provided, single submitter. Criteria: ICSL Variant Classification Criteria 13 December 2019. Collection method: clinical testing. Allele origin: germline.
Comment: This variant was observed in the ICSL laboratory as part of a predisposition screen in an ostensibly healthy population. It had not been previously curated by ICSL or reported in the Human Gene Mutation Database (HGMD: prior to June 1st, 2018), and was therefore a candidate for classification through an automated scoring system. Utilizing variant allele frequency, disease prevalence and penetrance estimates, and inheritance mode, an automated score was calculated to assess if this variant is too frequent to cause the disease. Based on the score and internal cut-off values, a variant classified as benign is not then subjected to further curation. The score for this variant resulted in a classification of benign for this disease.